The following is an entry in ClinVar:

ClinVar aggregate classification (germline): Uncertain significance (1 of 4 stars; one submission).

Conditions:
Joubert syndrome. Also called: JOUBERT-BOLTSHAUSER SYNDROME; Familial aplasia of the vermis. Identifiers: Orphanet 475, MedGen C5979921, MONDO:0018772.
Meckel-Gruber syndrome. Also called: DYSENCEPHALIA SPLANCHNOCYSTICA; GRUBER SYNDROME; Dysencephalia splachnocystica. Identifiers: Orphanet 564, MedGen C0265215, MONDO:0018921.

Allele frequency attached by ClinVar (database versions not stated): gnomAD 0.00001; TOPMed 0.00001.
gnomAD v4.1: 1 of 1,610,070 alleles (0.000062%); highest among the groups gnomAD compares: Non-Finnish European, 0.000085%; no homozygotes.

Submission:

Labcorp Genetics (formerly Invitae), Labcorp
Classification: Uncertain significance for Joubert syndrome; Meckel-Gruber syndrome. Last evaluated: 2022-05-13. Review status: criteria provided, single submitter. Criteria: Invitae Variant Classification Sherloc (09022015). Collection method: clinical testing. Allele origin: germline.
Comment: This sequence change replaces threonine, which is neutral and polar, with alanine, which is neutral and non-polar, at codon 44 of the CC2D2A protein (p.Thr44Ala). This variant is not present in population databases (gnomAD no frequency). This variant has not been reported in the literature in individuals affected with CC2D2A-related conditions. Advanced modeling of protein sequence and biophysical properties (such as structural, functional, and spatial information, amino acid conservation, physicochemical variation, residue mobility, and thermodynamic stability) performed at Invitae indicates that this missense variant is not expected to disrupt CC2D2A protein function. In summary, the available evidence is currently insufficient to determine the role of this variant in disease. Therefore, it has been classified as a Variant of Uncertain Significance.

NM_001378615.1(CC2D2A):c.130A>G (p.Thr44Ala)

Genes: CC2D2A (coiled-coil and C2 domain containing 2A; plus strand), FBXL5 (F-box and leucine rich repeat protein 5; minus strand). Cytogenetic location: 4p15.32.
Variant type: single nucleotide variant.
Coding change: c.130A>G on transcript NM_001378615.1 (MANE Select); coding-DNA position 130, A replaced by G.
Protein change: p.Thr44Ala; replaces threonine 44 with alanine.
Molecular consequence: missense variant. On other transcripts: 5 prime UTR variant (1).
Genome position (GRCh38, 1-based): chr4:15,480,710, A>G. VCF-style: chr4-15480710-A-G. GRCh37 (hg19) VCF-style: chr4-15482334-A-G.
Other names: c.236A>G, p.Asn79Ser (NM_020785.2); c.130A>G, p.Thr44Ala (NM_001080522.2, NM_001164720.3); c.-18A>G (NM_001378617.1); short protein forms N79S, T44A.
Identifiers: ClinVar variation 1993837 (VCV001993837.1), dbSNP rs1195835630, ClinGen allele CA356407504.